The following is an entry in ClinVar:

NM_000271.5(NPC1):c.2820G>A (p.Ser940=)

Gene: NPC1 (NPC intracellular cholesterol transporter 1; minus strand). Cytogenetic location: 18q11.2.
Variant type: single nucleotide variant.
Coding change: c.2820G>A on transcript NM_000271.5 (MANE Select); coding-DNA position 2820, G replaced by A.
Protein change: p.Ser940=; no amino-acid change (serine 940 retained).
Molecular consequence: synonymous variant.
Genome position (GRCh38, 1-based): chr18:23,539,446, C>T on the plus strand (G>A on the coding strand, the complement: NPC1 is on the minus strand). VCF-style: chr18-23539446-C-T. GRCh37 (hg19) VCF-style: chr18-21119410-C-T.
Identifiers: ClinVar variation 326256 (VCV000326256.20), dbSNP rs754664476, ClinGen allele CA8912947.

ClinVar aggregate classification (germline): Conflicting classifications of pathogenicity. Review status: criteria provided, conflicting classifications (1 of 4 stars). 5 submissions from 5 submitters: Uncertain significance (2); Likely benign (3). Last evaluated 2025-09-09.

Conditions:
NPC1-related disorder. Also called: NPC1-related condition.
Niemann-Pick disease, type C1. Also called: NEUROVISCERAL STORAGE DISEASE WITH VERTICAL SUPRANUCLEAR OPHTHALMOPLEGIA; NIEMANN-PICK DISEASE WITH CHOLESTEROL ESTERIFICATION BLOCK; NIEMANN-PICK DISEASE WITHOUT SPHINGOMYELINASE DEFICIENCY; NIEMANN-PICK DISEASE, CHRONIC NEURONOPATHIC FORM; NIEMANN-PICK DISEASE, VARIANT TYPE C1. Identifiers: Orphanet 646, MedGen C3179455, MONDO:0009757, OMIM 257220.

Allele frequency attached by ClinVar (database versions not stated): gnomAD exomes 0.00002 and 0.00003; gnomAD 0.00003; ExAC 0.00004; TOPMed 0.00008.
gnomAD v4.1: 26 of 1,613,300 alleles (0.0016%); highest among the groups gnomAD compares: Admixed American, 0.01%; no homozygotes.

Submissions (5):

Women's Health and Genetics/Laboratory Corporation of America, LabCorp
Classification: Likely benign. Last evaluated: 2025-09-09. Review status: criteria provided, single submitter. Criteria: LabCorp Variant Classification Summary - May 2015. Collection method: clinical testing. Allele origin: germline.

PreventionGenetics, part of Exact Sciences
Classification: Likely benign for NPC1-related condition. Last evaluated: 2025-03-12. Review status: criteria provided, single submitter. Criteria: ACMG Guidelines, 2015. Collection method: clinical testing. Allele origin: germline.
Comment: This variant is classified as likely benign based on ACMG/AMP sequence variant interpretation guidelines (Richards et al. 2015 PMID: 25741868, with internal and published modifications).

Labcorp Genetics (formerly Invitae), Labcorp
Classification: Likely benign for Niemann-Pick disease, type C1. Last evaluated: 2024-02-26. Review status: criteria provided, single submitter. Criteria: Invitae Variant Classification Sherloc (09022015). Collection method: clinical testing. Allele origin: germline.

Illumina Laboratory Services, Illumina
Classification: Uncertain significance for Niemann-Pick disease type C1. Last evaluated: 2018-01-13. Review status: criteria provided, single submitter. Criteria: ICSL Variant Classification Criteria 13 December 2019. Collection method: clinical testing. Allele origin: germline.

Eurofins Ntd Llc (ga)
Classification: Uncertain significance. Last evaluated: 2017-06-14. Review status: criteria provided, single submitter. Criteria: EGL Classification Definitions 2015. Collection method: clinical testing. Allele origin: germline. Observed: 1 variant allele, 1 heterozygote.